The following is an entry in ClinVar:

NM_001378454.1(ALMS1):c.1182T>C (p.Tyr394=)

Gene: ALMS1 (ALMS1 centrosome and basal body associated protein; plus strand). Cytogenetic location: 2p13.1.
Variant type: single nucleotide variant.
Coding change: c.1182T>C on transcript NM_001378454.1 (MANE Select); coding-DNA position 1182, T replaced by C.
Protein change: p.Tyr394=; no amino-acid change (tyrosine 394 retained).
Molecular consequence: synonymous variant.
Genome position (GRCh38, 1-based): chr2:73,424,847, T>C. VCF-style: chr2-73424847-T-C. GRCh37 (hg19) VCF-style: chr2-73651975-T-C.
Other names: c.1182T>C (NM_015120.4); c.1185T>C, p.Tyr395= (NM_015120.4).
Identifiers: ClinVar variation 221014 (VCV000221014.24), dbSNP rs139512700, ClinGen allele CA348467.

ClinVar aggregate classification (germline): Benign/Likely benign. Review status: criteria provided, multiple submitters, no conflicts (2 of 4 stars). 9 submissions from 9 submitters: Benign (4); Likely benign (3). 2 of the submissions do not count toward it. Last evaluated 2026-02-03.

Conditions:
Cardiovascular phenotype. Identifiers: MedGen CN230736.
Alstrom syndrome (ALMS). Identifiers: Orphanet 64, MedGen C0268425, MONDO:0008763, OMIM 203800.

Allele frequency attached by ClinVar (database versions not stated): gnomAD exomes 0.00041 and 0.00095; ExAC 0.00111; 1000 Genomes Project 30x 0.00234; 1000 Genomes Project 0.00240; ESP Exome Variant Server 0.00326; gnomAD 0.00343 and 0.00361; TOPMed 0.00378.
gnomAD v4.1: 1,138 of 1,607,850 alleles (0.071%); highest among the groups gnomAD compares: African/African-American, 1.2%; 4 homozygotes.

Submissions (9):

Labcorp Genetics (formerly Invitae), Labcorp
Classification: Benign for Alstrom syndrome. Last evaluated: 2026-02-03. Review status: criteria provided, single submitter. Criteria: Invitae Variant Classification Sherloc (09022015). Collection method: clinical testing. Allele origin: germline.

Women's Health and Genetics/Laboratory Corporation of America, LabCorp
Classification: Likely benign. Last evaluated: 2025-02-22. Review status: criteria provided, single submitter. Criteria: LabCorp Variant Classification Summary - May 2015. Collection method: clinical testing. Allele origin: germline.

Blueprint Genetics
Classification: Likely benign. Last evaluated: 2024-09-23. Review status: criteria provided, single submitter. Criteria: ACMG Guidelines, 2015. Collection method: clinical testing. Allele origin: germline.

GeneDx
Classification: Benign. Last evaluated: 2019-08-09. Review status: criteria provided, single submitter. Criteria: GeneDx Variant Classification Process June 2021. Collection method: clinical testing. Allele origin: germline. Affected: yes.

Ambry Genetics
Classification: Benign for Cardiovascular phenotype. Last evaluated: 2019-01-21. Review status: criteria provided, single submitter. Criteria: Ambry Variant Classification Scheme 2023. Collection method: clinical testing. Allele origin: germline.

Laboratory for Molecular Medicine, Mass General Brigham Personalized Medicine
Classification: Benign. Last evaluated: 2016-03-21. Review status: criteria provided, single submitter. Criteria: LMM Criteria. Collection method: clinical testing. Allele origin: germline. Observed: 2 variant alleles.
Comment: p.Tyr394Tyr in exon 5 of ALMS1: This variant is not expected to have clinical si gnificance because it does not alter an amino acid residue, is not located withi n the splice consensus sequence, and has been identified in 1.17% (114/9744) of African chromosomes by the Exome Aggregation Consortium (ExAC; dbSNP rs139512700).

Breakthrough Genomics
Classification: Likely benign. Review status: criteria provided, single submitter. Criteria: ACMG Guidelines, 2015. Collection method: not provided. Allele origin: germline. Inheritance: Autosomal recessive inheritance. Affected: yes.

Clinical Genetics DNA and cytogenetics Diagnostics Lab, Erasmus MC, Erasmus Medical Center
Classification: Likely benign. Review status: no assertion criteria provided. Collection method: clinical testing. Allele origin: germline. Affected: yes. Study: VKGL Data-share Consensus. Not counted in ClinVar's aggregate classification.

Genome Diagnostics Laboratory, University Medical Center Utrecht
Classification: Likely benign. Review status: no assertion criteria provided. Collection method: clinical testing. Allele origin: germline. Affected: yes. Study: VKGL Data-share Consensus. Not counted in ClinVar's aggregate classification.